The following is an entry in ClinVar:

NM_003394.4(WNT10B):c.969dup (p.Met324fs)

Gene: WNT10B (Wnt family member 10B; minus strand). Cytogenetic location: 12q13.12.
Variant type: Duplication.
Coding change: c.969dup on transcript NM_003394.4 (MANE Select); coding-DNA position 969, one base duplicated (T; older notation c.969dupT).
Protein change: p.Met324fs; shifts the reading frame from methionine 324.
Molecular consequence: frameshift variant.
Genome position (GRCh38, 1-based): chr12:48,966,296, A duplicated on the plus strand (T on the coding strand, the reverse complement: WNT10B is on the minus strand). VCF-style (leftmost placement, unchanged base first): chr12-48966295-T-TA. GRCh37 (hg19) VCF-style: chr12-49360078-T-TA.
Other names: short protein forms M324fs.
Identifiers: ClinVar variation 2971064 (VCV002971064.3), dbSNP rs1940730516, ClinGen allele CA2034911907.

ClinVar aggregate classification (germline): Pathogenic (1 of 4 stars; one submission).

Allele frequency attached by ClinVar (database versions not stated): TOPMed below 0.00001.

Submission:

Labcorp Genetics (formerly Invitae), Labcorp
Classification: Pathogenic. Last evaluated: 2024-01-09. Review status: criteria provided, single submitter. Criteria: Invitae Variant Classification Sherloc (09022015). Collection method: clinical testing. Allele origin: germline.
Comment: This sequence change creates a premature translational stop signal (p.Met324Tyrfs*39) in the WNT10B gene. While this is not anticipated to result in nonsense mediated decay, it is expected to disrupt the last 66 amino acid(s) of the WNT10B protein. This variant is not present in population databases (gnomAD no frequency). This variant has not been reported in the literature in individuals affected with WNT10B-related conditions. This variant disrupts a region of the WNT10B protein in which other variant(s) (p.Arg332Trp) have been determined to be pathogenic (PMID: 18515319). This suggests that this is a clinically significant region of the protein, and that variants that disrupt it are likely to be disease-causing. For these reasons, this variant has been classified as Pathogenic.

Literature cited by the submitters: PubMed 18515319.